The following is an entry in ClinVar:

ClinVar aggregate classification (germline): Uncertain significance. Review status: criteria provided, multiple submitters, no conflicts (2 of 4 stars). 4 submissions from 4 submitters: Uncertain significance (4). Last evaluated 2025-11-13.

Conditions:
Osteogenesis imperfecta (OI). Identifiers: Orphanet 666, MedGen C0029434, MeSH D010013, MONDO:0019019.

Allele frequency attached by ClinVar (database versions not stated): gnomAD exomes 0.00003; ExAC 0.00007; gnomAD 0.00012 and 0.00014; TOPMed 0.00012; 1000 Genomes Project 30x 0.00016; 1000 Genomes Project 0.00020.
gnomAD v4.1: 36 of 1,550,148 alleles (0.0023%); highest among the groups gnomAD compares: African/African-American, 0.044%; no homozygotes.

Submissions (4):

Mayo Clinic Laboratories, Mayo Clinic
Classification: Uncertain significance. Last evaluated: 2025-11-13. Review status: criteria provided, single submitter. Criteria: ACMG Guidelines, 2015. Collection method: clinical testing. Allele origin: germline. Observed: 1 variant allele.
Comment: BS2, BP4_moderate, PM2_supporting

Labcorp Genetics (formerly Invitae), Labcorp
Classification: Uncertain significance. Last evaluated: 2023-09-30. Review status: criteria provided, single submitter. Criteria: Invitae Variant Classification Sherloc (09022015). Collection method: clinical testing. Allele origin: germline.
Comment: The frequency data for this variant in the population databases is considered unreliable, as metrics indicate poor data quality at this position in the gnomAD database. This sequence change replaces alanine, which is neutral and non-polar, with valine, which is neutral and non-polar, at codon 23 of the IFITM5 protein (p.Ala23Val). This variant has not been reported in the literature in individuals affected with IFITM5-related conditions. In summary, the available evidence is currently insufficient to determine the role of this variant in disease. Therefore, it has been classified as a Variant of Uncertain Significance. Algorithms developed to predict the effect of missense changes on protein structure and function output the following: SIFT: "Not Available"; PolyPhen-2: "Benign"; Align-GVGD: "Not Available". The valine amino acid residue is found in multiple mammalian species, which suggests that this missense change does not adversely affect protein function. ClinVar contains an entry for this variant (Variation ID: 1702010).

Women's Health and Genetics/Laboratory Corporation of America, LabCorp
Classification: Uncertain significance. Last evaluated: 2023-01-19. Review status: criteria provided, single submitter. Criteria: LabCorp Variant Classification Summary - May 2015. Collection method: clinical testing. Allele origin: germline.
Comment: Variant summary: IFITM5 c.68C>T (p.Ala23Val) results in a non-conservative amino acid change in the encoded protein sequence. Four of five in-silico tools predict a benign effect of the variant on protein function. The variant allele was found at a frequency of 0.00013 in 150884 control chromosomes (gnomAD v3.1.2), predominantly at a frequency of 0.00043 within the African or African-American subpopulation in the gnomAD database. To our knowledge, no occurrence of c.68C>T in individuals affected with Osteogenesis Imperfecta Type 5 and no experimental evidence demonstrating its impact on protein function have been reported. One ClinVar submitter has assessed the variant since 2014: the variant was classified as uncertain significance. Based on the evidence outlined above, the variant was classified as uncertain significance.

Genome Diagnostics Laboratory, The Hospital for Sick Children
Classification: Uncertain significance for Osteogenesis imperfecta. Last evaluated: 2022-01-28. Review status: criteria provided, single submitter. Criteria: ACMG Guidelines, 2015. Collection method: clinical testing. Allele origin: germline.

NM_001025295.3(IFITM5):c.68C>T (p.Ala23Val)

Gene: IFITM5 (interferon induced transmembrane protein 5; minus strand). Cytogenetic location: 11p15.5.
Variant type: single nucleotide variant.
Coding change: c.68C>T on transcript NM_001025295.3 (MANE Select); coding-DNA position 68, C replaced by T.
Protein change: p.Ala23Val; replaces alanine 23 with valine.
Molecular consequence: missense variant.
Genome position (GRCh38, 1-based): chr11:299,423, G>A on the plus strand (C>T on the coding strand, the complement: IFITM5 is on the minus strand). VCF-style: chr11-299423-G-A. GRCh37 (hg19) VCF-style: chr11-299423-G-A.
Other names: p.Ala23Val; short protein forms A23V.
Identifiers: ClinVar variation 1702010 (VCV001702010.9), dbSNP rs552104680, ClinGen allele CA5773516.